The following is an entry in ClinVar:

NM_001370658.1(BTD):c.142A>G (p.Ile48Val)

Gene: BTD (biotinidase; plus strand). Cytogenetic location: 3p25.1.
Variant type: single nucleotide variant.
Coding change: c.142A>G on transcript NM_001370658.1 (MANE Select); coding-DNA position 142, A replaced by G.
Protein change: p.Ile48Val; replaces isoleucine 48 with valine.
Molecular consequence: missense variant.
Genome position (GRCh38, 1-based): chr3:15,635,581, A>G. VCF-style: chr3-15635581-A-G. GRCh37 (hg19) VCF-style: chr3-15677088-A-G.
Other names: c.202A>G, p.Ile68Val (NM_000060.4); c.142A>G, p.Ile48Val (NM_001281723.4, NM_001281724.3, NM_001281725.3 and 37 more transcripts); short protein forms I48V.
Identifiers: ClinVar variation 528480 (VCV000528480.28), dbSNP rs114092911, ClinGen allele CA2277259.

ClinVar aggregate classification (germline): Benign/Likely benign. Review status: criteria provided, multiple submitters, no conflicts (2 of 4 stars). 7 submissions from 7 submitters: Benign (3); Likely benign (2). 2 of the submissions do not count toward it. Last evaluated 2026-04-01.

Conditions:
BTD-related disorder. Also called: BTD-related condition.
Biotinidase deficiency. Also called: BTD deficiency; Late-onset biotin-responsive multiple carboxylase deficiency; Biotin deficiency. Identifiers: Orphanet 79241, MedGen C0220754, MONDO:0009665, OMIM 253260.

Allele frequency attached by ClinVar (database versions not stated): gnomAD exomes 0.00147 and 0.00059; ExAC 0.00191; gnomAD 0.00668 and 0.00722; TOPMed 0.00683; 1000 Genomes Project 0.00759; ESP Exome Variant Server 0.00761; 1000 Genomes Project 30x 0.00796.
gnomAD v4.1: 1,912 of 1,614,192 alleles (0.12%); highest among the groups gnomAD compares: African/African-American, 2.3%; 17 homozygotes.

Submissions (7):

CeGaT Center for Human Genetics Tuebingen
Classification: Likely benign. Last evaluated: 2026-04-01. Review status: criteria provided, single submitter. Criteria: CeGaT Center For Human Genetics Tuebingen Variant Classification Criteria Version 2. Collection method: clinical testing. Allele origin: germline. Affected: yes. Observed: 3 variant alleles.
Comment: BTD: BP4

Labcorp Genetics (formerly Invitae), Labcorp
Classification: Benign for Biotinidase deficiency. Last evaluated: 2026-01-28. Review status: criteria provided, single submitter. Criteria: Invitae Variant Classification Sherloc (09022015). Collection method: clinical testing. Allele origin: germline.

ARUP Laboratories, Molecular Genetics and Genomics, ARUP Laboratories
Classification: Benign for Biotinidase deficiency. Last evaluated: 2024-06-06. Review status: criteria provided, single submitter. Criteria: ARUP Molecular Germline Variant Investigation Process 2024. Collection method: clinical testing. Allele origin: germline.

Quest Diagnostics Nichols Institute San Juan Capistrano
Classification: Likely benign. Last evaluated: 2023-08-17. Review status: criteria provided, single submitter. Criteria: Quest Diagnostics criteria. Collection method: clinical testing. Allele origin: unknown.

Breakthrough Genomics
Classification: Benign. Review status: criteria provided, single submitter. Criteria: ACMG Guidelines, 2015. Collection method: not provided. Allele origin: germline. Inheritance: Autosomal recessive inheritance. Affected: yes.

Natera, Inc.
Classification: Benign for Biotinidase deficiency. Last evaluated: 2020-09-16. Review status: no assertion criteria provided. Collection method: clinical testing. Allele origin: germline. Not counted in ClinVar's aggregate classification.

PreventionGenetics, part of Exact Sciences
Classification: Benign for BTD-related condition. Last evaluated: 2020-01-09. Review status: no assertion criteria provided. Collection method: clinical testing. Allele origin: germline. Not counted in ClinVar's aggregate classification.
Comment: This variant is classified as benign based on ACMG/AMP sequence variant interpretation guidelines (Richards et al. 2015 PMID: 25741868, with internal and published modifications).

Literature cited by the submitters: PubMed 24123366 (cited by Quest Diagnostics Nichols Institute San Juan Capistrano); PubMed 25144890 (cited by Quest Diagnostics Nichols Institute San Juan Capistrano).